The following is an entry in ClinVar:

NM_005902.4(SMAD3):c.964C>A (p.Gln322Lys)

Gene: SMAD3 (SMAD family member 3; plus strand). Cytogenetic location: 15q22.33.
Variant type: single nucleotide variant.
Coding change: c.964C>A on transcript NM_005902.4 (MANE Select); coding-DNA position 964, C replaced by A.
Protein change: p.Gln322Lys; replaces glutamine 322 with lysine.
Molecular consequence: missense variant.
Genome position (GRCh38, 1-based): chr15:67,184,819, C>A. VCF-style: chr15-67184819-C-A. GRCh37 (hg19) VCF-style: chr15-67477157-C-A.
Other names: c.649C>A, p.Gln217Lys (NM_001145102.2); c.832C>A, p.Gln278Lys (NM_001145103.2); c.379C>A, p.Gln127Lys (NM_001145104.2); short protein forms Q217K, Q127K, Q278K, Q322K.
Identifiers: ClinVar variation 1419290 (VCV001419290.8), dbSNP rs1963178887, ClinGen allele CA392957150.

ClinVar aggregate classification (germline): Uncertain significance (1 of 4 stars; one submission).

Conditions:
Familial thoracic aortic aneurysm and aortic dissection (TAAD). Also called: Thoracic aortic aneurysms and dissections. Identifiers: Orphanet 91387, MedGen C4707243, MONDO:0019625.

Allele frequency attached by ClinVar (database versions not stated): gnomAD 0.00001.
gnomAD v4.1: 1 of 1,613,608 alleles (0.000062%); highest among the groups gnomAD compares: African/African-American, 0.0013%; no homozygotes.

Submission:

Labcorp Genetics (formerly Invitae), Labcorp
Classification: Uncertain significance for Familial thoracic aortic aneurysm and aortic dissection. Last evaluated: 2022-11-30. Review status: criteria provided, single submitter. Criteria: Invitae Variant Classification Sherloc (09022015). Collection method: clinical testing. Allele origin: germline.
Comment: In summary, the available evidence is currently insufficient to determine the role of this variant in disease. Therefore, it has been classified as a Variant of Uncertain Significance. Advanced modeling of protein sequence and biophysical properties (such as structural, functional, and spatial information, amino acid conservation, physicochemical variation, residue mobility, and thermodynamic stability) performed at Invitae indicates that this missense variant is not expected to disrupt SMAD3 protein function. ClinVar contains an entry for this variant (Variation ID: 1419290). This variant has not been reported in the literature in individuals affected with SMAD3-related conditions. This variant is not present in population databases (gnomAD no frequency). This sequence change replaces glutamine, which is neutral and polar, with lysine, which is basic and polar, at codon 322 of the SMAD3 protein (p.Gln322Lys).